The following is an entry in ClinVar:

NM_003718.5(CDK13):c.857C>A (p.Ser286Tyr)

Gene: CDK13 (cyclin dependent kinase 13; plus strand). Cytogenetic location: 7p14.1.
Variant type: single nucleotide variant.
Coding change: c.857C>A on transcript NM_003718.5 (MANE Select); coding-DNA position 857, C replaced by A.
Protein change: p.Ser286Tyr; replaces serine 286 with tyrosine.
Molecular consequence: missense variant.
Genome position (GRCh38, 1-based): chr7:39,951,498, C>A. VCF-style: chr7-39951498-C-A. GRCh37 (hg19) VCF-style: chr7-39991097-C-A.
Other names: c.857C>A, p.Ser286Tyr (NM_031267.4); short protein forms S286Y.
Identifiers: ClinVar variation 4538051 (VCV004538051.1).

ClinVar aggregate classification (germline): Uncertain significance (1 of 4 stars; one submission).

Submission:

GeneDx
Classification: Uncertain significance. Last evaluated: 2025-06-06. Review status: criteria provided, single submitter. Criteria: GeneDx Variant Classification Process June 2021. Collection method: clinical testing. Allele origin: germline. Affected: yes.
Comment: Not observed at significant frequency in large population cohorts (gnomAD); In silico analysis suggests that this missense variant does not alter protein structure/function; Has not been previously published as pathogenic or benign to our knowledge